The following is an entry in ClinVar:

ClinVar aggregate classification (germline): Uncertain significance (1 of 4 stars; one submission).

Submission:

Labcorp Genetics (formerly Invitae), Labcorp
Classification: Uncertain significance for Combined immunodeficiency due to DOCK8 deficiency. Last evaluated: 2024-10-25. Review status: criteria provided, single submitter. Criteria: Invitae Variant Classification Sherloc (09022015). Collection method: clinical testing. Allele origin: germline.
Comment: This sequence change replaces valine, which is neutral and non-polar, with methionine, which is neutral and non-polar, at codon 217 of the DOCK8 protein (p.Val217Met). This variant is not present in population databases (gnomAD no frequency). This variant has not been reported in the literature in individuals affected with DOCK8-related conditions. ClinVar contains an entry for this variant (Variation ID: 1034480). Invitae Evidence Modeling of protein sequence and biophysical properties (such as structural, functional, and spatial information, amino acid conservation, physicochemical variation, residue mobility, and thermodynamic stability) indicates that this missense variant is not expected to disrupt DOCK8 protein function with a negative predictive value of 80%. In summary, the available evidence is currently insufficient to determine the role of this variant in disease. Therefore, it has been classified as a Variant of Uncertain Significance.

NM_203447.4(DOCK8):c.649G>A (p.Val217Met)

Gene: DOCK8 (dedicator of cytokinesis 8; plus strand). Cytogenetic location: 9p24.3.
Variant type: single nucleotide variant.
Coding change: c.649G>A on transcript NM_203447.4 (MANE Select); coding-DNA position 649, G replaced by A.
Protein change: p.Val217Met; replaces valine 217 with methionine.
Molecular consequence: missense variant.
Genome position (GRCh38, 1-based): chr9:312,074, G>A. VCF-style: chr9-312074-G-A. GRCh37 (hg19) VCF-style: chr9-312074-G-A.
Other names: c.445G>A, p.Val149Met (NM_001190458.2, NM_001193536.2); short protein forms V217M, V149M.
Identifiers: ClinVar variation 1034480 (VCV001034480.8), dbSNP rs2050142693, ClinGen allele CA372760463.
Genomic context (GRCh38, chr9:312,074, plus strand): 5'-TGTGACTTTGACCTCCGCAGCCTGCAGCCTGACAAGCGGCTAGAAAACCTCCTGCAGCAA[G>A]TGAGTGCCGAGGACTTTGAGAAGCAGAACGAGGAGGCCCGGAGGACCAATAGGCAGGCCG-3'
Protein context (NP_982272.2, residues 207-227): DKRLENLLQQ[Val217Met]SAEDFEKQNE